The following is an entry in ClinVar:

NM_001128840.3(CACNA1D):c.5248G>A (p.Val1750Ile)

Gene: CACNA1D (calcium voltage-gated channel subunit alpha1 D; plus strand). Cytogenetic location: 3p21.1.
Variant type: single nucleotide variant.
Coding change: c.5248G>A on transcript NM_001128840.3 (MANE Select); coding-DNA position 5248, G replaced by A.
Protein change: p.Val1750Ile; replaces valine 1750 with isoleucine.
Molecular consequence: missense variant.
Genome position (GRCh38, 1-based): chr3:53,801,265, G>A. VCF-style: chr3-53801265-G-A. GRCh37 (hg19) VCF-style: chr3-53835292-G-A.
Other names: c.5308G>A, p.Val1770Ile (NM_000720.4); c.5203G>A, p.Val1735Ile (NM_001128839.3); short protein forms V1770I, V1735I, V1750I.
Identifiers: ClinVar variation 1905043 (VCV001905043.5), dbSNP rs550815512, ClinGen allele CA353250779.

ClinVar aggregate classification (germline): Uncertain significance (1 of 4 stars; one submission).

Allele frequency attached by ClinVar (database versions not stated): gnomAD exomes below 0.00001.
gnomAD v4.1: 1 of 1,614,080 alleles (0.000062%); highest among the groups gnomAD compares: Non-Finnish European, 0.000085%; no homozygotes.

Submission:

Labcorp Genetics (formerly Invitae), Labcorp
Classification: Uncertain significance. Last evaluated: 2025-10-13. Review status: criteria provided, single submitter. Criteria: Invitae Variant Classification Sherloc (09022015). Collection method: clinical testing. Allele origin: germline.
Comment: This sequence change replaces valine, which is neutral and non-polar, with isoleucine, which is neutral and non-polar, at codon 1770 of the CACNA1D protein (p.Val1770Ile). This variant is present in population databases (no rsID available, gnomAD 0.0009%). This variant has not been reported in the literature in individuals affected with CACNA1D-related conditions. ClinVar contains an entry for this variant (Variation ID: 1905043). An algorithm developed to predict the effect of missense changes on protein structure and function outputs the following: PolyPhen-2: "Benign". The isoleucine amino acid residue is found in multiple mammalian species, which suggests that this missense change does not adversely affect protein function. In summary, the available evidence is currently insufficient to determine the role of this variant in disease. Therefore, it has been classified as a Variant of Uncertain Significance.